The following is an entry in ClinVar:

ClinVar aggregate classification (germline): Pathogenic (1 of 4 stars; one submission).

Submission:

Labcorp Genetics (formerly Invitae), Labcorp
Classification: Pathogenic. Last evaluated: 2024-01-25. Review status: criteria provided, single submitter. Criteria: Invitae Variant Classification Sherloc (09022015). Collection method: clinical testing. Allele origin: germline.
Comment: This sequence change creates a premature translational stop signal (p.Glu67Serfs*35) in the OCA2 gene. It is expected to result in an absent or disrupted protein product. Loss-of-function variants in OCA2 are known to be pathogenic (PMID: 19865097, 21541274). This variant is not present in population databases (gnomAD no frequency). This variant has not been reported in the literature in individuals affected with OCA2-related conditions. For these reasons, this variant has been classified as Pathogenic.

Literature cited by the submitters: PubMed 19865097; PubMed 21541274.

NM_000275.3(OCA2):c.199del (p.Glu67fs)

Gene: OCA2 (OCA2 melanosomal transmembrane protein; minus strand). Cytogenetic location: 15q13.1.
Variant type: Deletion.
Coding change: c.199del on transcript NM_000275.3 (MANE Select); coding-DNA position 199, one base deleted (G; older notation c.199delG).
Protein change: p.Glu67fs; shifts the reading frame from glutamic acid 67.
Molecular consequence: frameshift variant.
Genome position (GRCh38, 1-based): chr15:28,081,676, C deleted on the plus strand (G on the coding strand, the reverse complement: OCA2 is on the minus strand); the first of 2 consecutive C bases (chr15:28,081,676-28,081,677); deleting either gives the same sequence. VCF-style (leftmost placement, unchanged base first): chr15-28081675-TC-T. GRCh37 (hg19) VCF-style: chr15-28326821-TC-T.
Other names: c.199del, p.Glu67fs (NM_001300984.2); short protein forms E67fs.
Identifiers: ClinVar variation 2771599 (VCV002771599.3), dbSNP rs2548670988, ClinGen allele CA2697554263.
Genomic context (GRCh38, chr15:28,081,675, plus strand): 5'-CACATTTACAAGATGGCACTATTTTAAACTCACCTCCCTTTTGTGAGGAATGAAGCAAAC[TC>T]CTGGCCTGCAGGAGCCCAAGAGCTCTGCCCGGCAGCCCCCCTGGGGCAGGAGTGCGAGGG-3'